The following is an entry in ClinVar:

ClinVar aggregate classification (germline): Uncertain significance. Review status: criteria provided, multiple submitters, no conflicts (2 of 4 stars). 2 submissions from 2 submitters: Uncertain significance (2). Last evaluated 2025-06-10.

Conditions:
Acromesomelic dysplasia 3 (AMD3). Also called: CHONDRODYSPLASIA, ACROMESOMELIC, WITH OR WITHOUT GENITAL ANOMALIES; Acromesomelic dysplasia, Demirhan type. Identifiers: MedGen C4225404, MONDO:0012274, OMIM 609441.
Type A2 brachydactyly (BDA2). Also called: BRACHYMESOPHALANGY II; MOHR-WRIEDT TYPE BRACHYDACTYLY; Brachymesophalangy type 2. Identifiers: Orphanet 93396, MedGen C1832702, MONDO:0007216, OMIM 112600, HP:0009372.
Inborn genetic diseases. Identifiers: MedGen C0950123, MeSH D030342.

gnomAD v4.1: 21 of 1,613,868 alleles (0.0013%); highest among the groups gnomAD compares: Admixed American, 0.01%; no homozygotes.

Submissions (2):

Ambry Genetics
Classification: Uncertain significance for Inborn genetic diseases. Last evaluated: 2025-06-10. Review status: criteria provided, single submitter. Criteria: Ambry Variant Classification Scheme 2023. Collection method: clinical testing. Allele origin: germline.

Labcorp Genetics (formerly Invitae), Labcorp
Classification: Uncertain significance for Type A2 brachydactyly; Acromesomelic dysplasia 3. Last evaluated: 2025-05-04. Review status: criteria provided, single submitter. Criteria: Invitae Variant Classification Sherloc (09022015). Collection method: clinical testing. Allele origin: germline.
Comment: This sequence change replaces phenylalanine, which is neutral and non-polar, with serine, which is neutral and polar, at codon 242 of the BMPR1B protein (p.Phe242Ser). This variant is present in population databases (rs754133041, gnomAD 0.01%). This variant has not been reported in the literature in individuals affected with BMPR1B-related conditions. Invitae Evidence Modeling of protein sequence and biophysical properties (such as structural, functional, and spatial information, amino acid conservation, physicochemical variation, residue mobility, and thermodynamic stability) indicates that this missense variant is not expected to disrupt BMPR1B protein function with a negative predictive value of 80%. In summary, the available evidence is currently insufficient to determine the role of this variant in disease. Therefore, it has been classified as a Variant of Uncertain Significance.

NM_001203.3(BMPR1B):c.725T>C (p.Phe242Ser)

Gene: BMPR1B (bone morphogenetic protein receptor type 1B; plus strand). Cytogenetic location: 4q22.3.
Variant type: single nucleotide variant.
Coding change: c.725T>C on transcript NM_001203.3 (MANE Select); coding-DNA position 725, T replaced by C.
Protein change: p.Phe242Ser; replaces phenylalanine 242 with serine.
Molecular consequence: missense variant.
Genome position (GRCh38, 1-based): chr4:95,130,001, T>C. VCF-style: chr4-95130001-T-C. GRCh37 (hg19) VCF-style: chr4-96051152-T-C.
Other names: c.725T>C, p.Phe242Ser (NM_001256792.2, NM_001256794.1); c.815T>C, p.Phe272Ser (NM_001256793.2); short protein forms F242S, F272S.
Identifiers: ClinVar variation 3992040 (VCV003992040.2).
Genomic context (GRCh38, chr4:95,130,001, plus strand): 5'-AGTGGCGTGGCGAAAAGGTAGCTGTGAAAGTGTTCTTCACCACAGAGGAAGCCAGCTGGT[T>C]CAGAGAGACAGAAATATATCAGACAGTGTTGATGAGGCATGAAAACATTTTGGGTGAGTA-3'
Protein context (NP_001194.1, residues 232-252): VFFTTEEASW[Phe242Ser]RETEIYQTVL